The following is an entry in ClinVar:

NM_025137.4(SPG11):c.1435C>A (p.Gln479Lys)

Gene: SPG11 (SPG11 vesicle trafficking associated, spatacsin; minus strand). Cytogenetic location: 15q21.1.
Variant type: single nucleotide variant.
Coding change: c.1435C>A on transcript NM_025137.4 (MANE Select); coding-DNA position 1435, C replaced by A.
Protein change: p.Gln479Lys; replaces glutamine 479 with lysine.
Molecular consequence: missense variant.
Genome position (GRCh38, 1-based): chr15:44,651,512, G>T on the plus strand (C>A on the coding strand, the complement: SPG11 is on the minus strand). VCF-style: chr15-44651512-G-T. GRCh37 (hg19) VCF-style: chr15-44943710-G-T.
Other names: c.1435C>A, p.Gln479Lys (NM_001160227.2); short protein forms Q479K.
Identifiers: ClinVar variation 1371224 (VCV001371224.5), dbSNP rs2141105806, ClinGen allele CA392235844.

ClinVar aggregate classification (germline): Uncertain significance (1 of 4 stars; one submission).

Conditions:
Hereditary spastic paraplegia 11. Also called: Spastic paraplegia, mental retardation and thin corpus callosum; Spastic Paraplegia 11; Nakamura Osame syndrome; Autosomal recessive hereditary spastic paraplegia, mental impairment, and thin corpus callosum; SPASTIC PARAPLEGIA, AUTOSOMAL RECESSIVE, COMPLICATED, WITH THIN CORPUS CALLOSUM; SPASTIC PARAPLEGIA, AUTOSOMAL RECESSIVE, WITH MENTAL IMPAIRMENT AND THIN CORPUS CALLOSUM. Identifiers: Orphanet 2822, MedGen C1858479, MONDO:0011445, OMIM 604360.

Allele frequency attached by ClinVar (database versions not stated): gnomAD exomes below 0.00001.
gnomAD v4.1: 2 of 1,614,142 alleles (0.00012%); highest among the groups gnomAD compares: Non-Finnish European, 0.00017%; no homozygotes.

Submission:

Labcorp Genetics (formerly Invitae), Labcorp
Classification: Uncertain significance for Hereditary spastic paraplegia 11. Last evaluated: 2025-08-30. Review status: criteria provided, single submitter. Criteria: Invitae Variant Classification Sherloc (09022015). Collection method: clinical testing. Allele origin: germline.
Comment: This sequence change replaces glutamine, which is neutral and polar, with lysine, which is basic and polar, at codon 479 of the SPG11 protein (p.Gln479Lys). This variant is not present in population databases (gnomAD no frequency). This variant has not been reported in the literature in individuals affected with SPG11-related conditions. ClinVar contains an entry for this variant (Variation ID: 1371224). Invitae Evidence Modeling of protein sequence and biophysical properties (such as structural, functional, and spatial information, amino acid conservation, physicochemical variation, residue mobility, and thermodynamic stability) indicates that this missense variant is not expected to disrupt SPG11 protein function with a negative predictive value of 80%. In summary, the available evidence is currently insufficient to determine the role of this variant in disease. Therefore, it has been classified as a Variant of Uncertain Significance.